The following is an entry in ClinVar:

ClinVar aggregate classification (germline): Likely benign. Review status: criteria provided, single submitter (1 of 4 stars). 2 submissions from 2 submitters: Likely benign (1). 1 of the submissions does not count toward it. Last evaluated 2025-04-17.

Conditions:
POP1-related disorder. Also called: POP1-related condition.

Allele frequency attached by ClinVar (database versions not stated): 1000 Genomes Project 0.00040; ESP Exome Variant Server 0.00023; 1000 Genomes Project 30x 0.00031.

Submissions (2):

Labcorp Genetics (formerly Invitae), Labcorp
Classification: Likely benign. Last evaluated: 2025-04-17. Review status: criteria provided, single submitter. Criteria: Invitae Variant Classification Sherloc (09022015). Collection method: clinical testing. Allele origin: germline.

PreventionGenetics, part of Exact Sciences
Classification: Likely benign for POP1-related condition. Last evaluated: 2019-02-18. Review status: no assertion criteria provided. Collection method: clinical testing. Allele origin: germline. Not counted in ClinVar's aggregate classification.
Comment: This variant is classified as likely benign based on ACMG/AMP sequence variant interpretation guidelines (Richards et al. 2015 PMID: 25741868, with internal and published modifications).

NM_001145860.2(POP1):c.927G>T (p.Thr309=)

Gene: POP1 (POP1 ribonuclease P/MRP subunit; plus strand). Cytogenetic location: 8q22.2.
Variant type: single nucleotide variant.
Coding change: c.927G>T on transcript NM_001145860.2 (MANE Select); coding-DNA position 927, G replaced by T.
Protein change: p.Thr309=; no amino-acid change (threonine 309 retained).
Molecular consequence: synonymous variant.
Genome position (GRCh38, 1-based): chr8:98,134,575, G>T. VCF-style: chr8-98134575-G-T. GRCh37 (hg19) VCF-style: chr8-99146803-G-T.
Other names: c.927G>T (NM_015029.2); c.927G>T, p.Thr309= (NM_001145861.2, NM_015029.3).
Identifiers: ClinVar variation 2731772 (VCV002731772.5), dbSNP rs374380026, ClinGen allele CA4820452.
Genomic context (GRCh38, chr8:98,134,575, plus strand): 5'-AGGGAGCCTTGTGCTTTATCGGGTGAATAAATATCCCAGAGAAATGCTTGGGCCTGTTAC[G>T]TTTATCTGGAAGTCCCAGAGGACCCCGGGTGACCCTTCTGAGAGCAGGCAGCTGTGGATC-3'
Protein context (NP_001139332.1, residues 299-319): KYPREMLGPV[Thr309=]FIWKSQRTPG